The following is an entry in ClinVar:

NM_017617.5(NOTCH1):c.394G>A (p.Gly132Ser)

Gene: NOTCH1 (notch receptor 1; minus strand). Cytogenetic location: 9q34.3.
Variant type: single nucleotide variant.
Coding change: c.394G>A on transcript NM_017617.5 (MANE Select); coding-DNA position 394, G replaced by A.
Protein change: p.Gly132Ser; replaces glycine 132 with serine.
Molecular consequence: missense variant.
Genome position (GRCh38, 1-based): chr9:136,523,726, C>T on the plus strand (G>A on the coding strand, the complement: NOTCH1 is on the minus strand). VCF-style: chr9-136523726-C-T. GRCh37 (hg19) VCF-style: chr9-139418178-C-T.
Other names: short protein forms G132S.
Identifiers: ClinVar variation 2893641 (VCV002893641.3), dbSNP rs761748180, ClinGen allele CA5342188.

ClinVar aggregate classification (germline): Uncertain significance (1 of 4 stars; one submission).

Conditions:
Adams-Oliver syndrome 5 (AOS5). Identifiers: Orphanet 974, MedGen C4014970, MONDO:0014459, OMIM 616028.

Allele frequency attached by ClinVar (database versions not stated): gnomAD exomes below 0.00001; TOPMed below 0.00001; ExAC 0.00001.
gnomAD v4.1: 3 of 1,606,484 alleles (0.00019%); highest among the groups gnomAD compares: East Asian, 0.0022%; no homozygotes.

Submission:

Labcorp Genetics (formerly Invitae), Labcorp
Classification: Uncertain significance for Adams-Oliver syndrome 5. Last evaluated: 2023-04-30. Review status: criteria provided, single submitter. Criteria: Invitae Variant Classification Sherloc (09022015). Collection method: clinical testing. Allele origin: germline.
Comment: The frequency data for this variant in the population databases is considered unreliable, as metrics indicate poor data quality at this position in the gnomAD database. This variant has not been reported in the literature in individuals affected with NOTCH1-related conditions. An algorithm developed to predict the effect of missense changes on protein structure and function (PolyPhen-2) suggests that this variant is likely to be disruptive. In summary, the available evidence is currently insufficient to determine the role of this variant in disease. Therefore, it has been classified as a Variant of Uncertain Significance. This sequence change replaces glycine, which is neutral and non-polar, with serine, which is neutral and polar, at codon 132 of the NOTCH1 protein (p.Gly132Ser).